The following is an entry in ClinVar:

NM_000377.3(WAS):c.778-6G>A

Gene: WAS (WASP actin nucleation promoting factor; plus strand). Cytogenetic location: Xp11.23.
Variant type: single nucleotide variant.
Coding change: c.778-6G>A on transcript NM_000377.3 (MANE Select); 6 bases into the intron before coding-DNA position 778, G replaced by A.
Molecular consequence: intron variant.
Genome position (GRCh38, 1-based): chrX:48,688,294, G>A. VCF-style: chrX-48688294-G-A. GRCh37 (hg19) VCF-style: chrX-48546683-G-A.
Identifiers: ClinVar variation 449116 (VCV000449116.10), dbSNP rs1557007011, ClinGen allele CA658658985.

ClinVar aggregate classification (germline): Pathogenic. Review status: criteria provided, multiple submitters, no conflicts (2 of 4 stars). 2 submissions from 2 submitters: Pathogenic (2). Last evaluated 2025-10-23.

Conditions:
Thrombocytopenia 1. Also called: THROMBOCYTOPENIA, X-LINKED, 1; X-Linked Thrombocytopenia (XLT); X-linked thrombocytopenia with normal platelets. Identifiers: Orphanet 268322, Orphanet 852, MedGen C1839163, MONDO:0010743, OMIM 313900.
X-linked severe congenital neutropenia (SCNX). Identifiers: Orphanet 86788, MedGen C1845987, MONDO:0010294, OMIM 300299.
Wiskott-Aldrich syndrome (WAS). Also called: ALDRICH SYNDROME; IMMUNODEFICIENCY 2; WISKOTT-ALDRICH SYNDROME 1; Wiskott-aldrich syndrome, somatic. Identifiers: Orphanet 906, MedGen C0043194, MONDO:0010518, OMIM 301000.

Submissions (2):

Labcorp Genetics (formerly Invitae), Labcorp
Classification: Pathogenic for Wiskott-Aldrich syndrome; X-linked severe congenital neutropenia; Thrombocytopenia 1. Last evaluated: 2025-10-23. Review status: criteria provided, single submitter. Criteria: Invitae Variant Classification Sherloc (09022015). Collection method: clinical testing. Allele origin: germline.
Comment: This sequence change falls in intron 8 of the WAS gene. It does not directly change the encoded amino acid sequence of the WAS protein. This variant is not present in population databases (gnomAD no frequency). This variant has been observed in individuals with clinical features of Wiskott-Aldrich syndrome (PMID: 20173115, 26368308; externalcommunication, internal data). It has also been observed to segregate with disease in related individuals. ClinVar contains an entry for this variant (Variation ID: 449116). Algorithms developed to predict the effect of sequence changes on RNA splicing suggest that this variant may disrupt the consensus splice site. For these reasons, this variant has been classified as Pathogenic.

GeneDx
Classification: Pathogenic. Last evaluated: 2017-08-02. Review status: criteria provided, single submitter. Criteria: GeneDx Variant Classification (06012015). Collection method: clinical testing. Allele origin: germline. Affected: yes.
Comment: The c.778-6 G>A variant has been reported previously in association with X-linked thrombocytopenia (Albert et al., 2010; Pala et al., 2015). The variant is not observed in large population cohorts (Lek et al., 2016; 1000 Genomes Consortium et al., 2015; Exome Variant Server). Several in-silico splice prediction models predict that c.778-6 G>A creates a cryptic acceptor site which may supplant the natural acceptor site and lead to abnormal gene splicing. In the absence of RNA/functional studies, the actual effect of this sequence change is unknown. However, the variant has been observed to segregate with disease in multiple members of a large family tested at GeneDx. In summary we consider this variant to be pathogenic.

Literature cited by the submitters: PubMed 20173115 (cited by Labcorp Genetics (formerly Invitae), Labcorp); PubMed 26368308 (cited by Labcorp Genetics (formerly Invitae), Labcorp).